The following is an entry in ClinVar:

NM_005751.5(AKAP9):c.3514A>T (p.Met1172Leu)

Gene: AKAP9 (A-kinase anchoring protein 9; plus strand). Cytogenetic location: 7q21.2.
Variant type: single nucleotide variant.
Coding change: c.3514A>T on transcript NM_005751.5 (MANE Select); coding-DNA position 3514, A replaced by T.
Protein change: p.Met1172Leu; replaces methionine 1172 with leucine.
Molecular consequence: missense variant.
Genome position (GRCh38, 1-based): chr7:92,012,624, A>T. VCF-style: chr7-92012624-A-T. GRCh37 (hg19) VCF-style: chr7-91641938-A-T.
Other names: c.3514A>T, p.Met1172Leu (NM_147185.3); short protein forms M1172L.
Identifiers: ClinVar variation 3617425 (VCV003617425.3).
Genomic context (GRCh38, chr7:92,012,624, plus strand): 5'-TTTGCTCAAGAGGAAAAGATCAAGGAACTTCAGAAAATACACCAGTTAGAACTACAGACT[A>T]TGAAAACACAAGAAACAGGTAAAATGGTTTCTGACTTATAAGTACCATGATCCAAATAAG-3'
Protein context (NP_005742.4, residues 1162-1182): QKIHQLELQT[Met1172Leu]KTQETGDEGK

ClinVar aggregate classification (germline): Uncertain significance. Review status: criteria provided, multiple submitters, no conflicts (2 of 4 stars). 2 submissions from 2 submitters: Uncertain significance (2). Last evaluated 2026-03-28.

Conditions:
Cardiovascular phenotype. Identifiers: MedGen CN230736.
Long QT syndrome (LQTS). Identifiers: MedGen C0023976, MeSH D008133, MONDO:0002442. Disease mechanism: loss of function. Inheritance: Various modes of inheritance.

Submissions (2):

Ambry Genetics
Classification: Uncertain significance for Cardiovascular phenotype. Last evaluated: 2026-03-28. Review status: criteria provided, single submitter. Criteria: Ambry Variant Classification Scheme 2023. Collection method: clinical testing. Allele origin: germline.
Comment: The p.M1172L variant (also known as c.3514A>T), located in coding exon 9 of the AKAP9 gene, results from an A to T substitution at nucleotide position 3514. The methionine at codon 1172 is replaced by leucine, an amino acid with highly similar properties. This amino acid position is conserved. In addition, this alteration is predicted to be tolerated by in silico analysis. Based on the available evidence, the clinical significance of this variant remains unclear.

Labcorp Genetics (formerly Invitae), Labcorp
Classification: Uncertain significance for Long QT syndrome. Last evaluated: 2024-09-23. Review status: criteria provided, single submitter. Criteria: Invitae Variant Classification Sherloc (09022015). Collection method: clinical testing. Allele origin: germline.
Comment: This sequence change replaces methionine, which is neutral and non-polar, with leucine, which is neutral and non-polar, at codon 1172 of the AKAP9 protein (p.Met1172Leu). This variant is not present in population databases (gnomAD no frequency). This variant has not been reported in the literature in individuals affected with AKAP9-related conditions. An algorithm developed to predict the effect of missense changes on protein structure and function outputs the following: PolyPhen-2: "Benign". The leucine amino acid residue is found in multiple mammalian species, which suggests that this missense change does not adversely affect protein function. In summary, the available evidence is currently insufficient to determine the role of this variant in disease. Therefore, it has been classified as a Variant of Uncertain Significance.